The following is an entry in ClinVar:

NM_019892.6(INPP5E):c.1897C>G (p.Gln633Glu)

Gene: INPP5E (inositol polyphosphate-5-phosphatase E; minus strand). Cytogenetic location: 9q34.3.
Variant type: single nucleotide variant.
Coding change: c.1897C>G on transcript NM_019892.6 (MANE Select); coding-DNA position 1897, C replaced by G.
Protein change: p.Gln633Glu; replaces glutamine 633 with glutamic acid.
Molecular consequence: missense variant.
Genome position (GRCh38, 1-based): chr9:136,429,713, G>C on the plus strand (C>G on the coding strand, the complement: INPP5E is on the minus strand). VCF-style: chr9-136429713-G-C. GRCh37 (hg19) VCF-style: chr9-139324165-G-C.
Other names: c.1897C>G (NM_019892.4, NM_019892.5); c.1894C>G, p.Gln632Glu (NM_001318502.2); short protein forms Q633E, Q632E.
Identifiers: ClinVar variation 1982566 (VCV001982566.11), dbSNP rs763184652, ClinGen allele CA5336625.

ClinVar aggregate classification (germline): Conflicting classifications of pathogenicity. Review status: criteria provided, conflicting classifications (1 of 4 stars). 4 submissions from 4 submitters: Uncertain significance (1); Benign (1); Likely benign (1). 1 of the submissions does not count toward it. Last evaluated 2025-12-23.

Conditions:
INPP5E-related disorder. Also called: INPP5E-related condition.
Inborn genetic diseases. Identifiers: MedGen C0950123, MeSH D030342.
Joubert syndrome. Also called: CEREBELLOPARENCHYMAL DISORDER IV; JOUBERT-BOLTSHAUSER SYNDROME; Familial aplasia of the vermis. Identifiers: Orphanet 475, MedGen C5979921, MONDO:0018772.

Allele frequency attached by ClinVar (database versions not stated): gnomAD 0.00004; TOPMed 0.00007; ExAC 0.00018.
gnomAD v4.1: 35 of 1,613,976 alleles (0.0022%); highest among the groups gnomAD compares: East Asian, 0.067%; no homozygotes.

Submissions (4):

Labcorp Genetics (formerly Invitae), Labcorp
Classification: Benign for Joubert syndrome. Last evaluated: 2025-12-23. Review status: criteria provided, single submitter. Criteria: Invitae Variant Classification Sherloc (09022015). Collection method: clinical testing. Allele origin: germline.

Ambry Genetics
Classification: Likely benign for Inborn genetic diseases. Last evaluated: 2023-07-19. Review status: criteria provided, single submitter. Criteria: Ambry Variant Classification Scheme 2023. Collection method: clinical testing. Allele origin: germline.

Revvity Omics, Revvity
Classification: Uncertain significance. Last evaluated: 2019-01-10. Review status: criteria provided, single submitter. Criteria: ACMG Guidelines, 2015. Collection method: clinical testing. Allele origin: germline.

PreventionGenetics, part of Exact Sciences
Classification: Likely benign for INPP5E-related condition. Last evaluated: 2022-12-20. Review status: no assertion criteria provided. Collection method: clinical testing. Allele origin: germline. Not counted in ClinVar's aggregate classification.
Comment: This variant is classified as likely benign based on ACMG/AMP sequence variant interpretation guidelines (Richards et al. 2015 PMID: 25741868, with internal and published modifications).